The following is an entry in ClinVar:

ClinVar aggregate classification (germline): Benign/Likely benign. Review status: criteria provided, multiple submitters, no conflicts (2 of 4 stars). 4 submissions from 4 submitters: Benign (1); Likely benign (3). Last evaluated 2026-01-05.

Conditions:
Hereditary cancer-predisposing syndrome. Also called: Tumor predisposition; Neoplastic Syndromes, Hereditary; Hereditary Cancer Syndrome; Hereditary neoplastic syndrome. Identifiers: Orphanet 140162, MedGen C0027672, MeSH D009386, MONDO:0015356.
Hereditary diffuse gastric adenocarcinoma (HDGC). Also called: DIFFUSE GASTRIC AND LOBULAR BREAST CANCER SYNDROME. Identifiers: Orphanet 26106, MedGen C1708349, MONDO:0007648, OMIM 137215.

Allele frequency attached by ClinVar (database versions not stated): ExAC 0.00001; gnomAD exomes 0.00001; TOPMed 0.00002; ESP Exome Variant Server 0.00008.
gnomAD v4.1: 12 of 1,614,056 alleles (0.00074%); highest among the groups gnomAD compares: African/African-American, 0.008%; no homozygotes.

Submissions (4):

Labcorp Genetics (formerly Invitae), Labcorp
Classification: Likely benign. Last evaluated: 2026-01-05. Review status: criteria provided, single submitter. Criteria: Invitae Variant Classification Sherloc (09022015). Collection method: clinical testing. Allele origin: germline.

Myriad Genetics, Inc.
Classification: Benign for Hereditary diffuse gastric adenocarcinoma. Last evaluated: 2024-10-10. Review status: criteria provided, single submitter. Criteria: Myriad Autosomal Dominant, Autosomal Recessive and X-Linked Classification Criteria (2023). Collection method: clinical testing. Allele origin: unknown.
Comment: This variant is considered benign. This variant is a silent/synonymous amino acid change and it is not expected to impact splicing.

Blueprint Genetics
Classification: Likely benign. Last evaluated: 2021-02-23. Review status: criteria provided, single submitter. Criteria: ACMG Guidelines, 2015. Collection method: clinical testing. Allele origin: germline.

Ambry Genetics
Classification: Likely benign for Hereditary cancer-predisposing syndrome. Last evaluated: 2019-01-25. Review status: criteria provided, single submitter. Criteria: Ambry Variant Classification Scheme 2023. Collection method: clinical testing. Allele origin: germline.

NM_001903.5(CTNNA1):c.753G>A (p.Ala251=)

Gene: CTNNA1 (catenin alpha 1; plus strand). Cytogenetic location: 5q31.2.
Variant type: single nucleotide variant.
Coding change: c.753G>A on transcript NM_001903.5 (MANE Select); coding-DNA position 753, G replaced by A.
Protein change: p.Ala251=; no amino-acid change (alanine 251 retained).
Molecular consequence: synonymous variant.
Genome position (GRCh38, 1-based): chr5:138,824,694, G>A. VCF-style: chr5-138824694-G-A. GRCh37 (hg19) VCF-style: chr5-138160383-G-A.
Other names: c.753G>A, p.Ala251= (NM_001290307.3, NM_001323982.2, NM_001323983.1 and 3 more transcripts); c.444G>A, p.Ala148= (NM_001290309.3); c.384G>A, p.Ala128= (NM_001290310.3).
Identifiers: ClinVar variation 774015 (VCV000774015.17), dbSNP rs149095225, ClinGen allele CA3431552.